The following is an entry in ClinVar:

NM_015662.3(IFT172):c.2194-8A>G

Gene: IFT172 (intraflagellar transport 172; minus strand). Cytogenetic location: 2p23.3.
Variant type: single nucleotide variant.
Coding change: c.2194-8A>G on transcript NM_015662.3 (MANE Select); 8 bases into the intron before coding-DNA position 2194, A replaced by G.
Molecular consequence: intron variant.
Genome position (GRCh38, 1-based): chr2:27,461,525, T>C on the plus strand (A>G on the coding strand, the complement: IFT172 is on the minus strand). VCF-style: chr2-27461525-T-C. GRCh37 (hg19) VCF-style: chr2-27684392-T-C.
Other names: c.2194-8A>G (NM_015662.2); c.2128-8A>G (NM_001410739.1).
Identifiers: ClinVar variation 2948941 (VCV002948941.4), dbSNP rs371944808, ClinGen allele CA44498279.

ClinVar aggregate classification (germline): Likely benign. Review status: criteria provided, multiple submitters, no conflicts (2 of 4 stars). 2 submissions from 2 submitters: Likely benign (2). Last evaluated 2026-03-24.

Conditions:
IFT172-related disorder. Also called: IFT172-related condition; IFT172-related disorders.
Short-rib thoracic dysplasia 10 with or without polydactyly (SRTD10). Identifiers: Orphanet 474, MedGen C3810175, MONDO:0014284, OMIM 615630.
Retinitis pigmentosa 71 (RP71). Identifiers: Orphanet 791, MedGen C4225342, MONDO:0014618, OMIM 616394.

Allele frequency attached by ClinVar (database versions not stated): gnomAD exomes below 0.00001; TOPMed 0.00001; ESP Exome Variant Server 0.00008.
gnomAD v4.1: 1 of 1,613,038 alleles (0.000062%); highest among the groups gnomAD compares: African/African-American, 0.0013%; no homozygotes.

Submissions (2):

PreventionGenetics, part of Exact Sciences
Classification: Likely benign for IFT172-related condition. Last evaluated: 2026-03-24. Review status: criteria provided, single submitter. Criteria: ACMG Guidelines, 2015. Collection method: clinical testing. Allele origin: germline.
Comment: This variant is classified as likely benign based on ACMG/AMP sequence variant interpretation guidelines (Richards et al. 2015 PMID: 25741868, with internal and published modifications).

Labcorp Genetics (formerly Invitae), Labcorp
Classification: Likely benign for Retinitis pigmentosa 71; Short-rib thoracic dysplasia 10 with or without polydactyly. Last evaluated: 2023-07-25. Review status: criteria provided, single submitter. Criteria: Invitae Variant Classification Sherloc (09022015). Collection method: clinical testing. Allele origin: germline.